The following is an entry in ClinVar:

ClinVar aggregate classification (germline): Benign/Likely benign. Review status: criteria provided, multiple submitters, no conflicts (2 of 4 stars). 2 submissions from 2 submitters: Benign (1); Likely benign (1). Last evaluated 2026-08-06.

Conditions:
NFKB2-related disorder. Also called: NFKB2-related condition.
Immunodeficiency, common variable, 10. Also called: IMMUNODEFICIENCY, COMMON VARIABLE, WITH CENTRAL ADRENAL INSUFFICIENCY; DEFICIT IN ANTERIOR PITUITARY FUNCTION AND VARIABLE IMMUNODEFICIENCY. Identifiers: MedGen C3809991, MONDO:0014260, OMIM 615577.

Allele frequency attached by ClinVar (database versions not stated): gnomAD exomes 0.00009; ESP Exome Variant Server 0.00016; ExAC 0.00017; 1000 Genomes Project 0.00020; gnomAD 0.00022; TOPMed 0.00025.
gnomAD v4.1: 70 of 1,597,040 alleles (0.0044%); highest among the groups gnomAD compares: African/African-American, 0.087%; no homozygotes.

Submissions (2):

PreventionGenetics, part of Exact Sciences
Classification: Likely benign for NFKB2-related condition. Last evaluated: 2026-08-06. Review status: criteria provided, single submitter. Criteria: ACMG Guidelines, 2015. Collection method: clinical testing. Allele origin: germline.
Comment: This variant is classified as likely benign based on ACMG/AMP sequence variant interpretation guidelines (Richards et al. 2015 PMID: 25741868, with internal and published modifications).

Labcorp Genetics (formerly Invitae), Labcorp
Classification: Benign for Immunodeficiency, common variable, 10. Last evaluated: 2026-01-22. Review status: criteria provided, single submitter. Criteria: Invitae Variant Classification Sherloc (09022015). Collection method: clinical testing. Allele origin: germline.

NM_001322934.2(NFKB2):c.1953C>G (p.Thr651=)

Gene: NFKB2 (nuclear factor kappa B subunit 2; plus strand). Cytogenetic location: 10q24.32.
Variant type: single nucleotide variant.
Coding change: c.1953C>G on transcript NM_001322934.2 (MANE Select); coding-DNA position 1953, C replaced by G.
Protein change: p.Thr651=; no amino-acid change (threonine 651 retained).
Molecular consequence: synonymous variant.
Genome position (GRCh38, 1-based): chr10:102,400,809, C>G. VCF-style: chr10-102400809-C-G. GRCh37 (hg19) VCF-style: chr10-104160566-C-G.
Other names: c.1953C>G, p.Thr651= (NM_001077494.3, NM_001261403.3, NM_001288724.1 and 1 more transcripts); c.1827C>G, p.Thr609= (NM_001322935.1).
Identifiers: ClinVar variation 764426 (VCV000764426.9), dbSNP rs372873787, ClinGen allele CA5664921.